The following is an entry in ClinVar:

NM_005219.5(DIAPH1):c.1819_1821del (p.Thr607del)

Gene: DIAPH1 (diaphanous related formin 1; minus strand). Cytogenetic location: 5q31.3.
Variant type: Deletion.
Coding change: c.1819_1821del on transcript NM_005219.5 (MANE Select); coding-DNA positions 1819 to 1821, 3 bases deleted (ACT; older notation c.1819_1821delACT).
Protein change: p.Thr607del; deletes threonine 607.
Molecular consequence: inframe deletion.
Genome position (GRCh38, 1-based): chr5:141,574,029-141,574,031, AGT deleted on the plus strand (ACT on the coding strand, the reverse complement: DIAPH1 is on the minus strand). VCF-style (leftmost placement, unchanged base first): chr5-141574028-GAGT-G. GRCh37 (hg19) VCF-style: chr5-140953595-GAGT-G.
Other names: c.1792_1794del, p.Thr598del (NM_001079812.3); c.1819_1821del, p.Thr607del (NM_001314007.2); short protein forms T598del, T607del.
Identifiers: ClinVar variation 4072179 (VCV004072179.3).

ClinVar aggregate classification (germline): Uncertain significance. Review status: criteria provided, multiple submitters, no conflicts (2 of 4 stars). 2 submissions from 2 submitters: Uncertain significance (2). Last evaluated 2026-05-01.

Conditions:
Intellectual disability. Also called: intellectual disabilities; Intellectual developmental disorder; Intellectual functioning disability. Identifiers: MedGen C3714756, MeSH D008607, MONDO:0001071, HP:0001249.

Submissions (2):

CeGaT Center for Human Genetics Tuebingen
Classification: Uncertain significance. Last evaluated: 2026-05-01. Review status: criteria provided, single submitter. Criteria: CeGaT Center For Human Genetics Tuebingen Variant Classification Criteria Version 2. Collection method: clinical testing. Allele origin: germline. Affected: yes. Observed: 1 variant allele.
Comment: DIAPH1: PM2

Cambridge Genomics Laboratory, East Genomic Laboratory Hub, NHS Genomic Medicine Service
Classification: Uncertain significance for Intellectual disability. Last evaluated: 2019-04-17. Review status: criteria provided, single submitter. Criteria: ACGS Best Practice Guidelines for Variant Classification in Rare Disease 2020. Collection method: clinical testing. Allele origin: germline. Affected: yes. Observed: 1 variant allele.